The following is an entry in ClinVar:

ClinVar aggregate classification (germline): Benign/Likely benign. Review status: criteria provided, multiple submitters, no conflicts (2 of 4 stars). 2 submissions from 2 submitters: Benign (1); Likely benign (1). Last evaluated 2025-02-20.

Conditions:
Breast-ovarian cancer, familial, susceptibility to, 4. Identifiers: Orphanet 145, MedGen C3280345, MONDO:0013669, OMIM 614291.

Submissions (2):

Myriad Genetics, Inc.
Classification: Benign for Breast-ovarian cancer, familial, susceptibility to, 4. Last evaluated: 2025-02-20. Review status: criteria provided, single submitter. Criteria: Myriad Autosomal Dominant, Autosomal Recessive and X-Linked Classification Criteria (2023). Collection method: clinical testing. Allele origin: unknown.
Comment: This variant is considered benign. This variant is a silent/synonymous amino acid change and it is not expected to impact splicing.

Labcorp Genetics (formerly Invitae), Labcorp
Classification: Likely benign for Breast-ovarian cancer, familial, susceptibility to, 4. Last evaluated: 2023-09-14. Review status: criteria provided, single submitter. Criteria: Invitae Variant Classification Sherloc (09022015). Collection method: clinical testing. Allele origin: germline.

NM_002878.4(RAD51D):c.240C>T (p.Ala80=)

Genes: RAD51D (RAD51 paralog D; minus strand), RAD51L3-RFFL (RAD51L3-RFFL readthrough; minus strand). Cytogenetic location: 17q12.
Variant type: single nucleotide variant.
Coding change: c.240C>T on transcript NM_002878.4 (MANE Select); coding-DNA position 240, C replaced by T.
Protein change: p.Ala80=; no amino-acid change (alanine 80 retained).
Molecular consequence: synonymous variant. On other transcripts: intron variant (2).
Genome position (GRCh38, 1-based): chr17:35,118,524, G>A on the plus strand (C>T on the coding strand, the complement: RAD51D is on the minus strand). VCF-style: chr17-35118524-G-A. GRCh37 (hg19) VCF-style: chr17-33445543-G-A.
Other names: c.144+587C>T (NM_133629.3, NM_001142571.2).
Identifiers: ClinVar variation 2760585 (VCV002760585.4), dbSNP rs2142473765, ClinGen allele CA2697559823.